The following is an entry in ClinVar:

ClinVar aggregate classification (germline): Pathogenic. Review status: criteria provided, multiple submitters, no conflicts (2 of 4 stars). 2 submissions from 2 submitters: Pathogenic (2). Last evaluated 2025-03-20.

Conditions:
Achondrogenesis, type IB (ACG1B). Also called: Achondrogenesis Type 1B. Identifiers: Orphanet 932, Orphanet 93298, MedGen C0265274, MONDO:0010966, OMIM 600972.
Atelosteogenesis type II (AO2). Also called: NEONATAL OSSEOUS DYSPLASIA I; SLC26A2-Related Atelosteogenesis; Neonatal osseous dysplasia 1. Identifiers: Orphanet 56304, MedGen C1850554, MONDO:0009727, OMIM 256050.
Diastrophic dysplasia (DTD). Also called: Diastrophic dwarfism. Identifiers: Orphanet 628, MedGen C0220726, MONDO:0009107, OMIM 222600.
Multiple epiphyseal dysplasia type 4 (EDM4). Also called: Multiple Epiphyseal Dysplasia, Recessive; MULTIPLE EPIPHYSEAL DYSPLASIA WITH BILAYERED PATELLAE; MULTIPLE EPIPHYSEAL DYSPLASIA WITH CLUBFOOT; MULTIPLE EPIPHYSEAL DYSPLASIA, AUTOSOMAL RECESSIVE; SLC26A2-Related Multiple Epiphyseal Dysplasia. Identifiers: Orphanet 93307, MedGen C1847593, MONDO:0009189, OMIM 226900.

Submissions (2):

Labcorp Genetics (formerly Invitae), Labcorp
Classification: Pathogenic for Atelosteogenesis type II; Multiple epiphyseal dysplasia type 4; Achondrogenesis, type IB; Diastrophic dysplasia. Last evaluated: 2025-03-20. Review status: criteria provided, single submitter. Criteria: Invitae Variant Classification Sherloc (09022015). Collection method: clinical testing. Allele origin: germline.
Comment: This sequence change creates a premature translational stop signal (p.Ser448*) in the SLC26A2 gene. While this is not anticipated to result in nonsense mediated decay, it is expected to disrupt the last 292 amino acid(s) of the SLC26A2 protein. This variant is not present in population databases (gnomAD no frequency). This variant has not been reported in the literature in individuals affected with SLC26A2-related conditions. ClinVar contains an entry for this variant (Variation ID: 2014463). This variant disrupts a region of the SLC26A2 protein in which other variant(s) (p.Glu593*) have been determined to be pathogenic (internal data). This suggests that this is a clinically significant region of the protein, and that variants that disrupt it are likely to be disease-causing. For these reasons, this variant has been classified as Pathogenic.

Baylor Genetics
Classification: Pathogenic for Achondrogenesis, type IB. Last evaluated: 2024-03-04. Review status: criteria provided, single submitter. Criteria: ACMG Guidelines, 2015. Collection method: clinical testing. Allele origin: unknown.

NM_000112.4(SLC26A2):c.1343C>A (p.Ser448Ter)

Gene: SLC26A2 (solute carrier family 26 member 2; plus strand). Cytogenetic location: 5q32.
Variant type: single nucleotide variant.
Coding change: c.1343C>A on transcript NM_000112.4 (MANE Select); coding-DNA position 1343, C replaced by A.
Protein change: p.Ser448Ter; replaces serine 448 with a stop codon.
Molecular consequence: nonsense.
Genome position (GRCh38, 1-based): chr5:149,980,936, C>A. VCF-style: chr5-149980936-C-A. GRCh37 (hg19) VCF-style: chr5-149360499-C-A.
Other names: short protein forms S448*.
Identifiers: ClinVar variation 2014463 (VCV002014463.5), dbSNP rs771098555, ClinGen allele CA361707678.